The following is an entry in ClinVar:

ClinVar aggregate classification (germline): Pathogenic (1 of 4 stars; one submission).

Conditions:
Biotinidase deficiency. Also called: BTD deficiency; Late-onset biotin-responsive multiple carboxylase deficiency; Biotin deficiency. Identifiers: Orphanet 79241, MedGen C0220754, MONDO:0009665, OMIM 253260.

Submission:

Labcorp Genetics (formerly Invitae), Labcorp
Classification: Pathogenic for Biotinidase deficiency. Last evaluated: 2025-08-06. Review status: criteria provided, single submitter. Criteria: Invitae Variant Classification Sherloc (09022015). Collection method: clinical testing. Allele origin: germline.
Comment: This sequence change replaces lysine, which is basic and polar, with isoleucine, which is neutral and non-polar, at codon 212 of the BTD protein (p.Lys212Ile). This variant is not present in population databases (gnomAD no frequency). This missense change has been observed in individual(s) with clinical features of biotinidase deficiency (internal data). Invitae Evidence Modeling of protein sequence and biophysical properties (such as structural, functional, and spatial information, amino acid conservation, physicochemical variation, residue mobility, and thermodynamic stability) indicates that this missense variant is expected to disrupt BTD protein function with a positive predictive value of 95%. For these reasons, this variant has been classified as Pathogenic.

NM_001370658.1(BTD):c.575A>T (p.Lys192Ile)

Gene: BTD (biotinidase; plus strand). Cytogenetic location: 3p25.1.
Variant type: single nucleotide variant.
Coding change: c.575A>T on transcript NM_001370658.1 (MANE Select); coding-DNA position 575, A replaced by T.
Protein change: p.Lys192Ile; replaces lysine 192 with isoleucine.
Molecular consequence: missense variant. On other transcripts: intron variant (6).
Genome position (GRCh38, 1-based): chr3:15,644,491, A>T. VCF-style: chr3-15644491-A-T. GRCh37 (hg19) VCF-style: chr3-15685998-A-T.
Other names: c.575A>T, p.Lys192Ile (NM_001281723.4, NM_001281724.3, NM_001281725.3 and 18 more transcripts); c.399+2434A>T (NM_001370753.1, NM_001407400.1, NM_001407401.1 and 3 more transcripts); short protein forms K192I.
Identifiers: ClinVar variation 4704935 (VCV004704935.1).